The following is an entry in ClinVar:

ClinVar aggregate classification (germline): Uncertain significance. Review status: criteria provided, multiple submitters, no conflicts (2 of 4 stars). 2 submissions from 2 submitters: Uncertain significance (2). Last evaluated 2025-07-28.

Conditions:
Inborn genetic diseases. Identifiers: MedGen C0950123, MeSH D030342.
Baller-Gerold syndrome (BGS). Also called: CRANIOSYNOSTOSIS WITH RADIAL DEFECTS. Identifiers: Orphanet 1225, MedGen C0265308, MONDO:0009039, OMIM 218600.

Submissions (2):

Ambry Genetics
Classification: Uncertain significance for Inborn genetic diseases. Last evaluated: 2025-07-28. Review status: criteria provided, single submitter. Criteria: Ambry Variant Classification Scheme 2023. Collection method: clinical testing. Allele origin: germline.
Comment: The p.C77F variant (also known as c.230G>T), located in coding exon 4 of the RECQL4 gene, results from a G to T substitution at nucleotide position 230. The cysteine at codon 77 is replaced by phenylalanine, an amino acid with highly dissimilar properties. This amino acid position is conserved. In addition, the in silico prediction for this alteration is inconclusive. Based on the available evidence, the clinical significance of this variant remains unclear.

Labcorp Genetics (formerly Invitae), Labcorp
Classification: Uncertain significance for Baller-Gerold syndrome. Last evaluated: 2024-04-29. Review status: criteria provided, single submitter. Criteria: Invitae Variant Classification Sherloc (09022015). Collection method: clinical testing. Allele origin: germline.
Comment: This sequence change replaces cysteine, which is neutral and slightly polar, with phenylalanine, which is neutral and non-polar, at codon 77 of the RECQL4 protein (p.Cys77Phe). The frequency data for this variant in the population databases is considered unreliable, as metrics indicate poor data quality at this position in the gnomAD database. This variant has not been reported in the literature in individuals affected with RECQL4-related conditions. ClinVar contains an entry for this variant (Variation ID: 657576). Advanced modeling of protein sequence and biophysical properties (such as structural, functional, and spatial information, amino acid conservation, physicochemical variation, residue mobility, and thermodynamic stability) performed at Invitae indicates that this missense variant is not expected to disrupt RECQL4 protein function with a negative predictive value of 80%. In summary, the available evidence is currently insufficient to determine the role of this variant in disease. Therefore, it has been classified as a Variant of Uncertain Significance.

NM_004260.4(RECQL4):c.230G>T (p.Cys77Phe)

Gene: RECQL4 (RecQ like helicase 4; minus strand). Cytogenetic location: 8q24.3.
Variant type: single nucleotide variant.
Coding change: c.230G>T on transcript NM_004260.4 (MANE Select); coding-DNA position 230, G replaced by T.
Protein change: p.Cys77Phe; replaces cysteine 77 with phenylalanine.
Molecular consequence: missense variant.
Genome position (GRCh38, 1-based): chr8:144,517,174, C>A on the plus strand (G>T on the coding strand, the complement: RECQL4 is on the minus strand). VCF-style: chr8-144517174-C-A. GRCh37 (hg19) VCF-style: chr8-145742558-C-A.
Other names: short protein forms C77F.
Identifiers: ClinVar variation 657576 (VCV000657576.6), dbSNP rs373705170, ClinGen allele CA187690599.